The following is an entry in ClinVar:

NM_001035.3(RYR2):c.13249G>C (p.Glu4417Gln)

Genes: RYR2 (ryanodine receptor 2; plus strand), LOC126806068 (BRD4-independent group 4 enhancer GRCh37_chr1:237947411-237948610; plus strand). Cytogenetic location: 1q43.
Variant type: single nucleotide variant.
Coding change: c.13249G>C on transcript NM_001035.3 (MANE Select); coding-DNA position 13249, G replaced by C.
Protein change: p.Glu4417Gln; replaces glutamic acid 4417 with glutamine.
Molecular consequence: missense variant.
Genome position (GRCh38, 1-based): chr1:237,784,961, G>C. VCF-style: chr1-237784961-G-C. GRCh37 (hg19) VCF-style: chr1-237948261-G-C.
Other names: c.13249G>C, p.Glu4417Gln (LRG_402t1); short protein forms E4417Q.
Identifiers: ClinVar variation 532353 (VCV000532353.9), dbSNP rs903232857, ClinGen allele CA39828335.
Genomic context (GRCh38, chr1:237,784,961, plus strand): 5'-AATCCAAATGCTGGGCTCAGTGACCTCATGAGCAACCCAGTCCCCATGCCTGAGGTGCAG[G>C]AAAAATTTCAGGTAATTTATCTCTAAGTCACAGCAGCATTCTCTCTGGACTTCAGGTGGG-3'
Protein context (NP_001026.2, residues 4407-4427): SNPVPMPEVQ[Glu4417Gln]KFQEQKAKEE

ClinVar aggregate classification (germline): Uncertain significance. Review status: criteria provided, multiple submitters, no conflicts (2 of 4 stars). 4 submissions from 4 submitters: Uncertain significance (4). Last evaluated 2025-07-14.

Conditions:
Catecholaminergic polymorphic ventricular tachycardia 1. Also called: VENTRICULAR TACHYCARDIA, CATECHOLAMINERGIC POLYMORPHIC, 1, WITH OR WITHOUT ATRIAL DYSFUNCTION AND/OR DILATED CARDIOMYOPATHY; RYR2-Related Catecholaminergic Polymorphic Ventricular Tachycardia; VENTRICULAR TACHYCARDIA, STRESS-INDUCED POLYMORPHIC 1. Identifiers: Orphanet 3286, MedGen C1631597, MONDO:0011484, OMIM 604772.
Ventricular arrhythmias due to cardiac ryanodine receptor calcium release deficiency syndrome. Also called: Autosomal dominant cardiac arrhythmia (Kuhn). Identifiers: MedGen C5542154, MONDO:0020745, OMIM 115000.
Arrhythmogenic right ventricular dysplasia 2. Identifiers: MedGen C1832931.
Cardiovascular phenotype. Identifiers: MedGen CN230736.
Cardiomyopathy (CMYO). Also called: Cardiomyopathies. Identifiers: Orphanet 167848, MedGen C0878544, MONDO:0004994, HP:0001638. Inheritance: Various modes of inheritance.

Allele frequency attached by ClinVar (database versions not stated): gnomAD exomes 0.00001 and 0.00003; TOPMed 0.00001; gnomAD 0.00003 and 0.00004.
gnomAD v4.1: 52 of 1,586,696 alleles (0.0033%); highest among the groups gnomAD compares: Non-Finnish European, 0.0043%; no homozygotes.

Submissions (4):

Color Diagnostics, LLC DBA Color Health
Classification: Uncertain significance for Cardiomyopathy. Last evaluated: 2025-07-14. Review status: criteria provided, single submitter. Criteria: ACMG Guidelines, 2015. Collection method: clinical testing. Allele origin: germline.
Comment: This missense variant replaces glutamic acid with glutamine at codon 4417 of the RYR2 protein. Computational prediction suggests that this variant may not impact protein structure and function. To our knowledge, functional studies have not been reported for this variant. This variant has not been reported in individuals affected with RYR2-related disorders in the literature. This variant has been identified in 4/230588 chromosomes in the general population by the Genome Aggregation Database (gnomAD). The available evidence is insufficient to determine the role of this variant in disease conclusively. Therefore, this variant is classified as a Variant of Uncertain Significance.

Labcorp Genetics (formerly Invitae), Labcorp
Classification: Uncertain significance for Catecholaminergic polymorphic ventricular tachycardia 1. Last evaluated: 2025-03-23. Review status: criteria provided, single submitter. Criteria: Invitae Variant Classification Sherloc (09022015). Collection method: clinical testing. Allele origin: germline.
Comment: This sequence change replaces glutamic acid, which is acidic and polar, with glutamine, which is neutral and polar, at codon 4417 of the RYR2 protein (p.Glu4417Gln). This variant is present in population databases (no rsID available, gnomAD 0.004%). This variant has not been reported in the literature in individuals affected with RYR2-related conditions. ClinVar contains an entry for this variant (Variation ID: 532353). Invitae Evidence Modeling of protein sequence and biophysical properties (such as structural, functional, and spatial information, amino acid conservation, physicochemical variation, residue mobility, and thermodynamic stability) indicates that this missense variant is not expected to disrupt RYR2 protein function with a negative predictive value of 95%. In summary, the available evidence is currently insufficient to determine the role of this variant in disease. Therefore, it has been classified as a Variant of Uncertain Significance.

Ambry Genetics
Classification: Uncertain significance for Cardiovascular phenotype. Last evaluated: 2022-09-08. Review status: criteria provided, single submitter. Criteria: Ambry Variant Classification Scheme 2023. Collection method: clinical testing. Allele origin: germline.
Comment: The p.E4417Q variant (also known as c.13249G>C), located in coding exon 90 of the RYR2 gene, results from a G to C substitution at nucleotide position 13249. The glutamic acid at codon 4417 is replaced by glutamine, an amino acid with highly similar properties. This amino acid position is not well conserved in available vertebrate species. In addition, this alteration is predicted to be tolerated by in silico analysis. Since supporting evidence is limited at this time, the clinical significance of this alteration remains unclear.

Fulgent Genetics
Classification: Uncertain significance for Ventricular arrhythmias due to cardiac ryanodine receptor calcium release deficiency syndrome; Catecholaminergic polymorphic ventricular tachycardia 1. Last evaluated: 2021-08-24. Review status: criteria provided, single submitter. Criteria: ACMG Guidelines, 2015. Collection method: clinical testing. Allele origin: unknown.